The following is an entry in ClinVar:

NM_005120.3(MED12):c.4359G>A (p.Lys1453=)

Gene: MED12 (mediator complex subunit 12; plus strand). Cytogenetic location: Xq13.1.
Variant type: single nucleotide variant.
Coding change: c.4359G>A on transcript NM_005120.3 (MANE Select); coding-DNA position 4359, G replaced by A.
Protein change: p.Lys1453=; no amino-acid change (lysine 1453 retained).
Molecular consequence: synonymous variant.
Genome position (GRCh38, 1-based): chrX:71,132,482, G>A. VCF-style: chrX-71132482-G-A. GRCh37 (hg19) VCF-style: chrX-70352332-G-A.
Identifiers: ClinVar variation 1164293 (VCV001164293.13), dbSNP rs766087487, ClinGen allele CA10444630.
Genomic context (GRCh38, chrX:71,132,482, plus strand): 5'-TAAACTGCCCACCTCAGTCCAGGGACATGTGTTAAAGGCTGCTGGGGAAGAATTGGAGAA[G>A]GGTCAGCACCTGGGTTCCTCTTCACGCAAAGAACGTGATCGACAAAAGCAGAAGAGGTAA-3'
Protein context (NP_005111.2, residues 1443-1463): VLKAAGEELE[Lys1453=]GQHLGSSSRK

ClinVar aggregate classification (germline): Benign/Likely benign. Review status: criteria provided, multiple submitters, no conflicts (2 of 4 stars). 3 submissions from 3 submitters: Benign (1); Likely benign (1). 1 of the submissions does not count toward it. Last evaluated 2025-06-09.

Conditions:
Familial thoracic aortic aneurysm and aortic dissection (TAAD). Also called: Thoracic aortic aneurysms and dissections. Identifiers: Orphanet 91387, MedGen C4707243, MONDO:0019625.
MED12-Related Disorders. Also called: MED12-related condition; MED12-related disorder. Identifiers: MedGen CN381102.
FG syndrome (FGS). Identifiers: MedGen C0220769, MONDO:0002010.

Allele frequency attached by ClinVar (database versions not stated): gnomAD exomes 0.00003 and 0.00007; ExAC 0.00010.
gnomAD v4.1: 35 of 1,207,559 alleles (0.0029%); highest among the groups gnomAD compares: South Asian, 0.057%; no homozygotes.

Submissions (3):

Labcorp Genetics (formerly Invitae), Labcorp
Classification: Benign for FG syndrome. Last evaluated: 2025-06-09. Review status: criteria provided, single submitter. Criteria: Invitae Variant Classification Sherloc (09022015). Collection method: clinical testing. Allele origin: germline.

Ambry Genetics
Classification: Likely benign for Familial thoracic aortic aneurysm and aortic dissection. Last evaluated: 2018-04-24. Review status: criteria provided, single submitter. Criteria: Ambry Variant Classification Scheme 2023. Collection method: clinical testing. Allele origin: germline.

PreventionGenetics, part of Exact Sciences
Classification: Likely benign for MED12-related condition. Last evaluated: 2023-04-11. Review status: no assertion criteria provided. Collection method: clinical testing. Allele origin: germline. Not counted in ClinVar's aggregate classification.
Comment: This variant is classified as likely benign based on ACMG/AMP sequence variant interpretation guidelines (Richards et al. 2015 PMID: 25741868, with internal and published modifications).